The following is an entry in ClinVar:

ClinVar aggregate classification (germline): Uncertain significance. Review status: criteria provided, multiple submitters, no conflicts (2 of 4 stars). 2 submissions from 2 submitters: Uncertain significance (2). Last evaluated 2025-05-30.

Conditions:
Inborn genetic diseases. Identifiers: MedGen C0950123, MeSH D030342.

Allele frequency attached by ClinVar (database versions not stated): gnomAD exomes 0.00002; ExAC 0.00005; gnomAD 0.00005; TOPMed 0.00014.
gnomAD v4.1: 47 of 1,613,698 alleles (0.0029%); highest among the groups gnomAD compares: Admixed American, 0.042%; no homozygotes.

Submissions (2):

GeneDx
Classification: Uncertain significance. Last evaluated: 2025-05-30. Review status: criteria provided, single submitter. Criteria: GeneDx Variant Classification Process June 2021. Collection method: clinical testing. Allele origin: germline. Affected: yes.
Comment: In silico analysis suggests that this missense variant does not alter protein structure/function; Has not been previously published as pathogenic or benign to our knowledge

Ambry Genetics
Classification: Uncertain significance for Inborn genetic diseases. Last evaluated: 2023-05-24. Review status: criteria provided, single submitter. Criteria: Ambry Variant Classification Scheme 2023. Collection method: clinical testing. Allele origin: germline.

NM_002591.4(PCK1):c.1777G>A (p.Glu593Lys)

Gene: PCK1 (phosphoenolpyruvate carboxykinase 1; plus strand). Cytogenetic location: 20q13.31.
Variant type: single nucleotide variant.
Coding change: c.1777G>A on transcript NM_002591.4 (MANE Select); coding-DNA position 1777, G replaced by A.
Protein change: p.Glu593Lys; replaces glutamic acid 593 with lysine.
Molecular consequence: missense variant.
Genome position (GRCh38, 1-based): chr20:57,565,712, G>A. VCF-style: chr20-57565712-G-A. GRCh37 (hg19) VCF-style: chr20-56140768-G-A.
Other names: short protein forms E593K.
Identifiers: ClinVar variation 2512705 (VCV002512705.3), dbSNP rs201175342, ClinGen allele CA9922461.